The following is an entry in ClinVar:

ClinVar aggregate classification (germline): Uncertain significance (1 of 4 stars; one submission).

gnomAD v4.1: 189 of 1,578,758 alleles (0.012%); highest among the groups gnomAD compares: African/African-American, 0.22%; no homozygotes.

Submission:

Genetic Services Laboratory, University of Chicago
Classification: Uncertain significance. Last evaluated: 2023-01-04. Review status: criteria provided, single submitter. Criteria: ACMG Guidelines, 2015. Collection method: clinical testing. Allele origin: germline. Affected: no.
Comment: DNA sequence analysis of the RBBP6 gene demonstrated a sequence change, c.3838C>T, in exon 18 that results in an amino acid change, p.Arg1280Trp. This sequence change does not appear to have been previously described in individuals with RBBP6-related disorders. This sequence change has been described in the gnomAD database with a frequency of 0.20% in the African subpopulation and 0.021% in the overall population (dbSNP rs149805045). The p.Arg1280Trp change affects a highly conserved amino acid residue located in a domain of the RBBP6 protein that is not known to be functional. In-silico pathogenicity prediction tools (SIFT, PolyPhen2, Align GVGD, REVEL) provide contradictory results for the p.Arg1280Trp substitution. Due to insufficient evidences and the lack of functional studies, the clinical significance of the p.Arg1280Trp change remains unknown at this time.

NM_006910.5(RBBP6):c.3838C>T (p.Arg1280Trp)

Gene: RBBP6 (RB binding protein 6, ubiquitin ligase; plus strand). Cytogenetic location: 16p12.1.
Variant type: single nucleotide variant.
Coding change: c.3838C>T on transcript NM_006910.5 (MANE Select); coding-DNA position 3838, C replaced by T.
Protein change: p.Arg1280Trp; replaces arginine 1280 with tryptophan.
Molecular consequence: missense variant.
Genome position (GRCh38, 1-based): chr16:24,570,904, C>T. VCF-style: chr16-24570904-C-T. GRCh37 (hg19) VCF-style: chr16-24582225-C-T.
Other names: c.3736C>T, p.Arg1246Trp (NM_018703.4); short protein forms R1246W, R1280W.
Identifiers: ClinVar variation 4082503 (VCV004082503.2).
Genomic context (GRCh38, chr16:24,570,904, plus strand): 5'-ATTAATTAAAAATATTTTGTTATTCTTTTTAGTACGAGCTCAACTGGAGGCAGTCCTGTG[C>T]GGAAATCTGAAGAAAAAACAGATACAAAGCGAACTGTGATTAAAACGATGGAAGAATATA-3'
Protein context (NP_008841.2, residues 1270-1290): STSSTGGSPV[Arg1280Trp]KSEEKTDTKR